The following is an entry in ClinVar:

NM_000238.4(KCNH2):c.186A>T (p.Arg62=)

Gene: KCNH2 (potassium voltage-gated channel subfamily H member 2; minus strand). Cytogenetic location: 7q36.1.
Variant type: single nucleotide variant.
Coding change: c.186A>T on transcript NM_000238.4 (MANE Select); coding-DNA position 186, A replaced by T.
Protein change: p.Arg62=; no amino-acid change (arginine 62 retained).
Molecular consequence: synonymous variant. On other transcripts: non-coding transcript variant (1).
Genome position (GRCh38, 1-based): chr7:150,974,832, T>A on the plus strand (A>T on the coding strand, the complement: KCNH2 is on the minus strand). VCF-style: chr7-150974832-T-A. GRCh37 (hg19) VCF-style: chr7-150671920-T-A.
Other names: c.9A>T, p.Arg3= (NM_001406755.1); c.186A>T, p.Arg62= (NM_172056.3).
Identifiers: ClinVar variation 511023 (VCV000511023.20), dbSNP rs1313067678, ClinGen allele CA458871998.
Genomic context (GRCh38, chr7:150,974,832, plus strand): 5'-GATCTGCGCGGCAGCGCGGCGCTGCGTGCGCGGCCCGTGCAGGAAGTCGCAGGTGCAGGG[T>A]CGCTGCATCACCTCGGCCCGCGAGTAGCCGCACAGCTCGCAGAAGCCGTCGTTGCAGTAG-3'
Protein context (NP_000229.1, residues 52-72): CGYSRAEVMQ[Arg62=]PCTCDFLHGP

ClinVar aggregate classification (germline): Likely benign. Review status: criteria provided, multiple submitters, no conflicts (2 of 4 stars). 5 submissions from 5 submitters: Likely benign (5). Last evaluated 2025-10-26.

Conditions:
Long QT syndrome (LQTS). Identifiers: MedGen C0023976, MeSH D008133, MONDO:0002442. Disease mechanism: loss of function. Inheritance: Various modes of inheritance.
Cardiac arrhythmia. Also called: Arrhythmia; Cardiac rhythm disease. Identifiers: MedGen C0003811, MONDO:0007263, HP:0011675.
Cardiovascular phenotype. Identifiers: MedGen CN230736.

Allele frequency attached by ClinVar (database versions not stated): gnomAD exomes below 0.00001; gnomAD 0.00001; TOPMed 0.00001.
gnomAD v4.1: 5 of 1,608,132 alleles (0.00031%); highest among the groups gnomAD compares: African/African-American, 0.0013%; no homozygotes.

Submissions (5):

Labcorp Genetics (formerly Invitae), Labcorp
Classification: Likely benign for Long QT syndrome. Last evaluated: 2025-10-26. Review status: criteria provided, single submitter. Criteria: Invitae Variant Classification Sherloc (09022015). Collection method: clinical testing. Allele origin: germline.

All of Us Research Program, National Institutes of Health
Classification: Likely benign for Long QT syndrome. Last evaluated: 2024-05-14. Review status: criteria provided, single submitter. Criteria: ACMG Guidelines, 2015. Collection method: clinical testing. Allele origin: germline. Inheritance: Autosomal dominant inheritance. Observed: 4 variant alleles, 4 heterozygotes.
Comment: This study involves interpretation of variants in research participants for the purpose of population health screening. Participant phenotype was not available at the time of variant classification. Additional details can be found in publication PMID: 35346344, PMCID: PMC8962531

Color Diagnostics, LLC DBA Color Health
Classification: Likely benign for Arrhythmia. Last evaluated: 2020-03-18. Review status: criteria provided, single submitter. Criteria: ACMG Guidelines, 2015. Collection method: clinical testing. Allele origin: germline.

Ambry Genetics
Classification: Likely benign for Cardiovascular phenotype. Last evaluated: 2019-09-13. Review status: criteria provided, single submitter. Criteria: Ambry Variant Classification Scheme 2023. Collection method: clinical testing. Allele origin: germline.

GeneDx
Classification: Likely benign. Last evaluated: 2018-02-06. Review status: criteria provided, single submitter. Criteria: GeneDx Variant Classification (06012015). Collection method: clinical testing. Allele origin: germline. Affected: yes.
Comment: This variant is considered likely benign or benign based on one or more of the following criteria: it is a conservative change, it occurs at a poorly conserved position in the protein, it is predicted to be benign by multiple in silico algorithms, and/or has population frequency not consistent with disease.